The following is an entry in ClinVar:

NM_004260.4(RECQL4):c.940C>G (p.Pro314Ala)

Gene: RECQL4 (RecQ like helicase 4; minus strand). Cytogenetic location: 8q24.3.
Variant type: single nucleotide variant.
Coding change: c.940C>G on transcript NM_004260.4 (MANE Select); coding-DNA position 940, C replaced by G.
Protein change: p.Pro314Ala; replaces proline 314 with alanine.
Molecular consequence: missense variant. On other transcripts: 5 prime UTR variant (17), non-coding transcript variant (3).
Genome position (GRCh38, 1-based): chr8:144,516,179, G>C on the plus strand (C>G on the coding strand, the complement: RECQL4 is on the minus strand). VCF-style: chr8-144516179-G-C. GRCh37 (hg19) VCF-style: chr8-145741563-G-C.
Other names: c.940C>G, p.Pro314Ala (NM_001413017.1, NM_001413018.1, NM_001413019.1 and 4 more transcripts); c.-132C>G (NM_001413021.1, NM_001413022.1, NM_001413023.1 and 7 more transcripts); c.811C>G, p.Pro271Ala (NM_001413025.1); c.-194C>G (NM_001413027.1, NM_001413030.1, NM_001413031.1 and 2 more transcripts); c.589C>G, p.Pro197Ala (NM_001413029.1); c.-36C>G (NM_001413034.1); c.-401C>G (NM_001413043.1); short protein forms P271A, P314A, P197A.
Identifiers: ClinVar variation 5028074 (VCV005028074.1).

ClinVar aggregate classification (germline): Uncertain significance (1 of 4 stars; one submission).

Conditions:
Inborn genetic diseases. Identifiers: MedGen C0950123, MeSH D030342.

gnomAD v4.1: 2 of 1,613,482 alleles (0.00012%); highest among the groups gnomAD compares: South Asian, 0.0011%; no homozygotes.

Submission:

Ambry Genetics
Classification: Uncertain significance for Inborn genetic diseases. Last evaluated: 2026-06-22. Review status: criteria provided, single submitter. Criteria: Ambry Variant Classification Scheme 2023. Collection method: clinical testing. Allele origin: germline.
Comment: The p.P314A variant (also known as c.940C>G), located in coding exon 5 of the RECQL4 gene, results from a C to G substitution at nucleotide position 940. The proline at codon 314 is replaced by alanine, an amino acid with highly similar properties. This amino acid position is conserved. In addition, this alteration is predicted to be tolerated by in silico analysis. Based on the available evidence, the clinical significance of this variant remains unclear.